The following is an entry in ClinVar:

NM_000059.4(BRCA2):c.9605C>A (p.Pro3202Gln)

Gene: BRCA2 (BRCA2 DNA repair associated; plus strand). Cytogenetic location: 13q13.1.
Variant type: single nucleotide variant.
Coding change: c.9605C>A on transcript NM_000059.4 (MANE Select); coding-DNA position 9605, C replaced by A.
Protein change: p.Pro3202Gln; replaces proline 3202 with glutamine.
Molecular consequence: missense variant.
Genome position (GRCh38, 1-based): chr13:32,397,001, C>A. VCF-style: chr13-32397001-C-A. GRCh37 (hg19) VCF-style: chr13-32971138-C-A.
Other names: short protein forms P3202Q.
Identifiers: ClinVar variation 1500343 (VCV001500343.8), dbSNP rs397507432, ClinGen allele CA387763597.

ClinVar aggregate classification (germline): Uncertain significance (1 of 4 stars; one submission).

Conditions:
Hereditary breast ovarian cancer syndrome. Also called: BRCA1- and BRCA2-Associated Hereditary Breast and Ovarian Cancer; Hereditary breast and ovarian cancer; Hereditary breast and/or ovarian cancer syndrome; Hereditary breast and ovarian cancer syndrome; Hereditary breast and ovarian cancer syndrome (HBOC); Breast and ovarian cancer. Identifiers: Orphanet 145, MedGen C0677776, MeSH D061325, MONDO:0003582. Disease mechanism: loss of function.

Submission:

Labcorp Genetics (formerly Invitae), Labcorp
Classification: Uncertain significance for Hereditary breast ovarian cancer syndrome. Last evaluated: 2021-07-05. Review status: criteria provided, single submitter. Criteria: Invitae Variant Classification Sherloc (09022015). Collection method: clinical testing. Allele origin: germline.
Comment: This sequence change replaces proline with glutamine at codon 3202 of the BRCA2 protein (p.Pro3202Gln). The proline residue is moderately conserved and there is a moderate physicochemical difference between proline and glutamine. This variant is not present in population databases (ExAC no frequency). This variant has not been reported in the literature in individuals affected with BRCA2-related conditions. Advanced modeling of protein sequence and biophysical properties (such as structural, functional, and spatial information, amino acid conservation, physicochemical variation, residue mobility, and thermodynamic stability) performed at Invitae indicates that this missense variant is not expected to disrupt BRCA2 protein function. In summary, the available evidence is currently insufficient to determine the role of this variant in disease. Therefore, it has been classified as a Variant of Uncertain Significance.